The following is an entry in ClinVar:

ClinVar aggregate classification (germline): Uncertain significance (1 of 4 stars; one submission).

Conditions:
Inborn genetic diseases. Identifiers: MedGen C0950123, MeSH D030342.

Submission:

Ambry Genetics
Classification: Uncertain significance for Inborn genetic diseases. Last evaluated: 2025-03-12. Review status: criteria provided, single submitter. Criteria: Ambry Variant Classification Scheme 2023. Collection method: clinical testing. Allele origin: germline.
Comment: The p.I904N variant (also known as c.2711T>A), located in coding exon 1 of the SAMD9 gene, results from a T to A substitution at nucleotide position 2711. The isoleucine at codon 904 is replaced by asparagine, an amino acid with dissimilar properties. This amino acid position is conserved. In addition, this alteration is predicted to be tolerated by in silico analysis. Based on the available evidence, the clinical significance of this variant remains unclear.

NM_017654.4(SAMD9):c.2711T>A (p.Ile904Asn)

Gene: SAMD9 (sterile alpha motif domain containing 9; minus strand). Cytogenetic location: 7q21.2.
Variant type: single nucleotide variant.
Coding change: c.2711T>A on transcript NM_017654.4 (MANE Select); coding-DNA position 2711, T replaced by A.
Protein change: p.Ile904Asn; replaces isoleucine 904 with asparagine.
Molecular consequence: missense variant.
Genome position (GRCh38, 1-based): chr7:93,103,387, A>T on the plus strand (T>A on the coding strand, the complement: SAMD9 is on the minus strand). VCF-style: chr7-93103387-A-T. GRCh37 (hg19) VCF-style: chr7-92732700-A-T.
Other names: c.2711T>A, p.Ile904Asn (NM_001193307.2); short protein forms I904N.
Identifiers: ClinVar variation 3792169 (VCV003792169.1).